The following is an entry in ClinVar:

ClinVar aggregate classification (germline): Pathogenic/Likely pathogenic. Review status: criteria provided, multiple submitters, no conflicts (2 of 4 stars). 6 submissions from 6 submitters: Pathogenic (4); Likely pathogenic (1). 1 of the submissions does not count toward it. Last evaluated 2023-11-07.

Conditions:
Congenital NAD deficiency disorder. Identifiers: MedGen CN241975.
Vertebral, cardiac, renal, and limb defects syndrome 2. Also called: KYNURENINASE DEFICIENCY, COMPLETE; CONGENITAL NAD DEFICIENCY DISORDER 2. Identifiers: MedGen C4540014, MONDO:0060555, OMIM 617661.
KYNU-related disorder. Also called: KYNU-related disorders; KYNU-related condition.

Submissions (6):

GeneDx
Classification: Pathogenic. Last evaluated: 2023-11-07. Review status: criteria provided, single submitter. Criteria: GeneDx Variant Classification Process June 2021. Collection method: clinical testing. Allele origin: germline. Affected: yes.
Comment: Frameshift variant predicted to result in protein truncation or nonsense mediated decay in a gene for which loss of function is a known mechanism of disease; Published functional studies demonstrate a damaging effect on enzyme activity (PMID: 28792876); This variant is associated with the following publications: (PMID: 28792876)

Baylor Genetics
Classification: Pathogenic for Vertebral, cardiac, renal, and limb defects syndrome 2. Last evaluated: 2023-09-29. Review status: criteria provided, single submitter. Criteria: ACMG Guidelines, 2015. Collection method: clinical testing. Allele origin: unknown.

Molecular Genetics, Royal Melbourne Hospital
Classification: Pathogenic for Vertebral, cardiac, renal, and limb defects syndrome 2. Last evaluated: 2023-05-05. Review status: criteria provided, single submitter. Criteria: ACMG Guidelines, 2015. Collection method: clinical testing. Allele origin: germline.
Comment: This sequence change in KYNU is a frameshift variant predicted to cause a premature stop codon, p.(Phe349Lysfs*4), in biologically relevant exon 13/14 leading to nonsense-mediated decay in a gene in which loss-of-function is an established disease mechanism (PMID: 28792876). The highest population minor allele frequency in the population database gnomAD v2.1 is 0.006% (8/128,530 alleles) in the European (non-Finnish) population, which is consistent with vertebral, cardiac, renal, and limb defects syndrome. This variant has been detected in an individual with vertebral, cardiac, renal, and limb defects syndrome compound heterozygous with a pathogenic variant and was confirmed in trans by parental testing (PMID: 28792876). Based on the classification scheme RMH Modified ACMG/AMP Guidelines v1.6.1, this variant is classified as PATHOGENIC. Following criteria are met: PVS1, PM3, PM2_Supporting.

Blueprint Genetics
Classification: Likely pathogenic for KYNU-related disorders. Last evaluated: 2019-11-08. Review status: criteria provided, single submitter. Criteria: ACMG Guidelines, 2015. Collection method: clinical testing. Allele origin: germline. Affected: yes. Observed: 1 variant allele.

Embryology Laboratory, Victor Chang Cardiac Research Institute
Classification: Pathogenic for Congenital NAD deficiency disorder. Last evaluated: 2016-12-23. Review status: criteria provided, single submitter. Criteria: ACMG Guidelines, 2015. Collection method: research. Allele origin: germline. Inheritance: Autosomal recessive inheritance. Affected: yes. Observed: 1 variant allele, 1 compound heterozygote. Functional consequence: loss_of_function_variant, effect on catalytic protein function.
Comment: This variant was discovered in a North American family. This variant is a protein truncating variant and novel (ExAC MAF 0). Enzyme assay confirmed that the protein product of this gene variant has lost enzyme activity. Mouse embryos homozygous null for Kynu presented similar phenotype as observed in the patient, and also showed reduced concentration of NAD in the embryonic tissue.

OMIM
Classification: Pathogenic for VERTEBRAL, CARDIAC, RENAL, AND LIMB DEFECTS SYNDROME 2. Last evaluated: 2024-03-06. Review status: no assertion criteria provided. Collection method: literature only. Allele origin: germline. Not counted in ClinVar's aggregate classification.

Literature cited by the submitters: PubMed 28792876 (cited by 3 submitters).

NM_003937.3(KYNU):c.1045_1051del (p.Phe349fs)

Gene: KYNU (kynureninase; plus strand). Cytogenetic location: 2q22.2.
Variant type: Deletion.
Coding change: c.1045_1051del on transcript NM_003937.3 (MANE Select); coding-DNA positions 1045 to 1051, 7 bases deleted (TTTAAGC; older notation c.1045_1051delTTTAAGC).
Protein change: p.Phe349fs; shifts the reading frame from phenylalanine 349.
Molecular consequence: frameshift variant.
Genome position (GRCh38, 1-based): chr2:143,040,431-143,040,437, TTTAAGC deleted; deleting any 7 consecutive bases within chr2:143,040,430-143,040,437 gives the same sequence; the c. name uses the placement nearest the transcript's 3' end. VCF-style (leftmost placement, unchanged base first): chr2-143040429-TCTTTAAG-T. GRCh37 (hg19) VCF-style: chr2-143797998-TCTTTAAG-T.
Other names: KYNU, 7-BP DEL, NT1045; c.1045_1051delTTTAAGC (NM_003937.2, NM_003937.3); c.1045_1051del, p.Phe349fs (NM_001199241.2); short protein forms F349fs.
Identifiers: ClinVar variation 403731 (VCV000403731.10), dbSNP rs770642379, ClinGen allele CA1896990.
Genomic context (GRCh38, chr2:143,040,429, plus strand): 5'-ATTTTTGCTTCTTTGTAAATCAATAAGACACTTTAATCTGATTGTTTCTCATTCCACAGA[TCTTTAAG>T]CAAGCGACAATGAAGGCATTGCGGAAAAAATCTGTTTTGCTAACTGGCTATCTGGAATAC-3'